The following is an entry in ClinVar:

ClinVar aggregate classification (germline): Likely benign. Review status: criteria provided, multiple submitters, no conflicts (2 of 4 stars). 3 submissions from 3 submitters: Likely benign (2). 1 of the submissions does not count toward it. Last evaluated 2022-07-01.

Conditions:
CSMD1-related disorder. Also called: CSMD1-related condition.

Allele frequency attached by ClinVar (database versions not stated): TOPMed 0.00018; ESP Exome Variant Server 0.00032.
gnomAD v4.1: 158 of 1,613,682 alleles (0.0098%); highest among the groups gnomAD compares: Middle Eastern, 0.099%; 2 homozygotes.

Submissions (3):

CeGaT Center for Human Genetics Tuebingen
Classification: Likely benign. Last evaluated: 2022-07-01. Review status: criteria provided, single submitter. Criteria: CeGaT Center For Human Genetics Tuebingen Variant Classification Criteria Version 2. Collection method: clinical testing. Allele origin: germline. Affected: yes. Observed: 1 variant allele.
Comment: CSMD1: BP4, BP7

Labcorp Genetics (formerly Invitae), Labcorp
Classification: Likely benign. Last evaluated: 2018-05-17. Review status: criteria provided, single submitter. Criteria: Invitae Variant Classification Sherloc (09022015). Collection method: clinical testing. Allele origin: germline.

PreventionGenetics, part of Exact Sciences
Classification: Likely benign for CSMD1-related condition. Last evaluated: 2019-04-03. Review status: no assertion criteria provided. Collection method: clinical testing. Allele origin: germline. Not counted in ClinVar's aggregate classification.
Comment: This variant is classified as likely benign based on ACMG/AMP sequence variant interpretation guidelines (Richards et al. 2015 PMID: 25741868, with internal and published modifications).

NM_033225.6(CSMD1):c.582G>A (p.Ser194=)

Gene: CSMD1 (CUB and Sushi multiple domains 1; minus strand). Cytogenetic location: 8p23.2.
Variant type: single nucleotide variant.
Coding change: c.582G>A on transcript NM_033225.6 (MANE Select); coding-DNA position 582, G replaced by A.
Protein change: p.Ser194=; no amino-acid change (serine 194 retained).
Molecular consequence: synonymous variant.
Genome position (GRCh38, 1-based): chr8:4,031,933, C>T on the plus strand (G>A on the coding strand, the complement: CSMD1 is on the minus strand). VCF-style: chr8-4031933-C-T. GRCh37 (hg19) VCF-style: chr8-3889455-C-T.
Identifiers: ClinVar variation 741183 (VCV000741183.28), dbSNP rs377756447, ClinGen allele CA4609582.